The following is an entry in ClinVar:

NM_000077.5(CDKN2A):c.27G>A (p.Met9Ile)

Gene: CDKN2A (cyclin dependent kinase inhibitor 2A; minus strand). Cytogenetic location: 9p21.3.
Variant type: single nucleotide variant.
Coding change: c.27G>A on transcript NM_000077.5; coding-DNA position 27, G replaced by A.
Protein change: p.Met9Ile; replaces methionine 9 with isoleucine.
Molecular consequence: missense variant (on NM_000077.6). On other transcripts: intron variant (2).
Genome position (GRCh38, 1-based): chr9:21,974,801, C>T on the plus strand (G>A on the coding strand, the complement: CDKN2A is on the minus strand). VCF-style: chr9-21974801-C-T. GRCh37 (hg19) VCF-style: chr9-21974800-C-T.
Other names: c.27G>A, p.Met9Ile (NM_000077.6, NM_001195132.2, NM_058197.5); c.-3-3593G>A (NM_001363763.2); c.194-3593G>A (NM_058195.4); short protein forms M9I.
Identifiers: ClinVar variation 656960 (VCV000656960.12), dbSNP rs1587340400, ClinGen allele CA373086694.
Genomic context (GRCh38, chr9:21,974,801, plus strand): 5'-CCGCACCTCCTCTACCCGACCCCGGGCCGCGGCCGTGGCCAGCCAGTCAGCCGAAGGCTC[C>T]ATGCTGCTCCCCGCCGCCGGCTCCATGCTGCTCCCCGCCGCCCGCTGCCTGCTCTCCCCC-3'
Protein context (NP_000068.1, residues 1-19): MEPAAGSS[Met9Ile]EPSADWLATA

ClinVar aggregate classification (germline): Conflicting classifications of pathogenicity. Review status: criteria provided, conflicting classifications (1 of 4 stars). 2 submissions from 2 submitters: Uncertain significance (1); Likely benign (1). Last evaluated 2026-08-07.

Conditions:
Hereditary cancer-predisposing syndrome. Also called: Neoplastic Syndromes, Hereditary; Hereditary Cancer Syndrome; Hereditary neoplastic syndrome; Tumor predisposition. Identifiers: Orphanet 140162, MedGen C0027672, MeSH D009386, MONDO:0015356.
Familial melanoma. Also called: Hereditary melanoma; Hereditary cutaneous melanoma. Identifiers: Orphanet 618, MedGen C1512419, MONDO:0018961.

Allele frequency attached by ClinVar (database versions not stated): gnomAD exomes below 0.00001.
gnomAD v4.1: 2 of 1,604,608 alleles (0.00012%); highest among the groups gnomAD compares: Non-Finnish European, 0.00017%; no homozygotes.

Submissions (2):

Ambry Genetics
Classification: Likely benign for Hereditary cancer-predisposing syndrome. Last evaluated: 2026-08-07. Review status: criteria provided, single submitter. Criteria: Ambry Variant Classification Scheme 2023. Collection method: clinical testing. Allele origin: germline.

Labcorp Genetics (formerly Invitae), Labcorp
Classification: Uncertain significance for Familial melanoma. Last evaluated: 2024-07-02. Review status: criteria provided, single submitter. Criteria: Invitae Variant Classification Sherloc (09022015). Collection method: clinical testing. Allele origin: germline.
Comment: This sequence change replaces methionine, which is neutral and non-polar, with isoleucine, which is neutral and non-polar, at codon 9 of the CDKN2A (p16INK4a) protein (p.Met9Ile). This variant is not present in population databases (gnomAD no frequency). This variant has not been reported in the literature in individuals affected with CDKN2A (p16INK4a)-related conditions. ClinVar contains an entry for this variant (Variation ID: 656960). An algorithm developed to predict the effect of missense changes on protein structure and function (PolyPhen-2) suggests that this variant is likely to be tolerated. In summary, the available evidence is currently insufficient to determine the role of this variant in disease. Therefore, it has been classified as a Variant of Uncertain Significance.